The following is an entry in ClinVar:

ClinVar aggregate classification (germline): Uncertain significance (1 of 4 stars; one submission).

Conditions:
Hereditary cancer-predisposing syndrome. Also called: Hereditary Cancer Syndrome; Hereditary neoplastic syndrome; Tumor predisposition; Neoplastic Syndromes, Hereditary. Identifiers: Orphanet 140162, MedGen C0027672, MeSH D009386, MONDO:0015356.

Submission:

Ambry Genetics
Classification: Uncertain significance for Hereditary cancer-predisposing syndrome. Last evaluated: 2024-09-18. Review status: criteria provided, single submitter. Criteria: Ambry Variant Classification Scheme 2023. Collection method: clinical testing. Allele origin: germline.
Comment: The p.K544Q variant (also known as c.1630A>C), located in coding exon 8 of the ALK gene, results from an A to C substitution at nucleotide position 1630. The lysine at codon 544 is replaced by glutamine, an amino acid with similar properties. This amino acid position is conserved. In addition, this alteration is predicted to be tolerated by in silico analysis. Based on the available evidence, the clinical significance of this variant remains unclear.

NM_004304.5(ALK):c.1630A>C (p.Lys544Gln)

Gene: ALK (ALK receptor tyrosine kinase; minus strand). Cytogenetic location: 2p23.2.
Variant type: single nucleotide variant.
Coding change: c.1630A>C on transcript NM_004304.5 (MANE Select); coding-DNA position 1630, A replaced by C.
Protein change: p.Lys544Gln; replaces lysine 544 with glutamine.
Molecular consequence: missense variant.
Genome position (GRCh38, 1-based): chr2:29,318,321, T>G on the plus strand (A>C on the coding strand, the complement: ALK is on the minus strand). VCF-style: chr2-29318321-T-G. GRCh37 (hg19) VCF-style: chr2-29541187-T-G.
Other names: short protein forms K544Q.
Identifiers: ClinVar variation 3522518 (VCV003522518.1).